The following is an entry in ClinVar:

NM_003235.5(TG):c.3612_3627del (p.Gly1205fs)

Gene: TG (thyroglobulin; plus strand). Cytogenetic location: 8q24.22.
Variant type: Deletion.
Coding change: c.3612_3627del on transcript NM_003235.5 (MANE Select); coding-DNA positions 3612 to 3627, 16 bases deleted (CGGGGGCCAGCCCGCC).
Protein change: p.Gly1205fs; shifts the reading frame from glycine 1205.
Molecular consequence: frameshift variant.
Genome position (GRCh38, 1-based): chr8:132,901,531-132,901,546, CGGGGGCCAGCCCGCC deleted; deleting any 16 consecutive bases within chr8:132,901,530-132,901,546 gives the same sequence; the c. name uses the placement nearest the transcript's 3' end. VCF-style (leftmost placement, unchanged base first): chr8-132901529-ACCGGGGGCCAGCCCGC-A. GRCh37 (hg19) VCF-style: chr8-133913774-ACCGGGGGCCAGCCCGC-A.
Other names: short protein forms G1205fs.
Identifiers: ClinVar variation 3003665 (VCV003003665.3), dbSNP rs1171241375, ClinGen allele CA847696513.

ClinVar aggregate classification (germline): Pathogenic (1 of 4 stars; one submission).

Submission:

Labcorp Genetics (formerly Invitae), Labcorp
Classification: Pathogenic. Last evaluated: 2023-03-31. Review status: criteria provided, single submitter. Criteria: Invitae Variant Classification Sherloc (09022015). Collection method: clinical testing. Allele origin: germline.
Comment: For these reasons, this variant has been classified as Pathogenic. This variant has not been reported in the literature in individuals affected with TG-related conditions. This variant is not present in population databases (gnomAD no frequency). This sequence change creates a premature translational stop signal (p.Gly1205Valfs*53) in the TG gene. It is expected to result in an absent or disrupted protein product. Loss-of-function variants in TG are known to be pathogenic (PMID: 19837936, 23164529).

Literature cited by the submitters: PubMed 19837936; PubMed 23164529.